The following is an entry in ClinVar:

ClinVar aggregate classification (germline): Uncertain significance (1 of 4 stars; one submission).

Submission:

Ambry Genetics
Classification: Uncertain significance. Last evaluated: 2025-11-24. Review status: criteria provided, single submitter. Criteria: Ambry Variant Classification Scheme 2023. Collection method: clinical testing. Allele origin: germline.
Comment: The c.644C>T (p.A215V) alteration is located in exon 1 (coding exon 1) of the MAGEE1 gene. This alteration results from a C to T substitution at nucleotide position 644, causing the alanine (A) at amino acid position 215 to be replaced by a valine (V). Based on data from gnomAD, the T allele has an overall frequency of 0.001% (1/173658) total alleles studied. The highest observed frequency was 0.004% (1/26935) of Latino alleles. Based on insufficient or conflicting evidence, the clinical significance of this alteration remains unclear.

NM_020932.3(MAGEE1):c.644C>T (p.Ala215Val)

Gene: MAGEE1 (MAGE family member E1; plus strand). Cytogenetic location: Xq13.3.
Variant type: single nucleotide variant.
Coding change: c.644C>T on transcript NM_020932.3 (MANE Select); coding-DNA position 644, C replaced by T.
Protein change: p.Ala215Val; replaces alanine 215 with valine.
Molecular consequence: missense variant.
Genome position (GRCh38, 1-based): chrX:76,428,574, C>T. VCF-style: chrX-76428574-C-T. GRCh37 (hg19) VCF-style: chrX-75648967-C-T.
Other names: short protein forms A215V.
Identifiers: ClinVar variation 4548962 (VCV004548962.1).